The following is an entry in ClinVar:

NM_001942.4(DSG1):c.879T>G (p.Ile293Met)

Gene: DSG1 (desmoglein 1; plus strand). Cytogenetic location: 18q12.1.
Variant type: single nucleotide variant.
Coding change: c.879T>G on transcript NM_001942.4 (MANE Select); coding-DNA position 879, T replaced by G.
Protein change: p.Ile293Met; replaces isoleucine 293 with methionine.
Molecular consequence: missense variant.
Genome position (GRCh38, 1-based): chr18:31,334,076, T>G. VCF-style: chr18-31334076-T-G. GRCh37 (hg19) VCF-style: chr18-28914039-T-G.
Other names: short protein forms I293M.
Identifiers: ClinVar variation 2129127 (VCV002129127.4), dbSNP rs1285857672, ClinGen allele CA402130982.

ClinVar aggregate classification (germline): Uncertain significance (1 of 4 stars; one submission).

Allele frequency attached by ClinVar (database versions not stated): gnomAD exomes below 0.00001.
gnomAD v4.1: 3 of 1,610,636 alleles (0.00019%); highest among the groups gnomAD compares: Non-Finnish European, 0.00025%; no homozygotes.

Submission:

Labcorp Genetics (formerly Invitae), Labcorp
Classification: Uncertain significance. Last evaluated: 2022-05-17. Review status: criteria provided, single submitter. Criteria: Invitae Variant Classification Sherloc (09022015). Collection method: clinical testing. Allele origin: germline.
Comment: This variant is not present in population databases (gnomAD no frequency). In summary, the available evidence is currently insufficient to determine the role of this variant in disease. Therefore, it has been classified as a Variant of Uncertain Significance. Algorithms developed to predict the effect of missense changes on protein structure and function are either unavailable or do not agree on the potential impact of this missense change (SIFT: "Deleterious"; PolyPhen-2: "Probably Damaging"; Align-GVGD: "Class C0"). This variant has not been reported in the literature in individuals affected with DSG1-related conditions. This sequence change replaces isoleucine, which is neutral and non-polar, with methionine, which is neutral and non-polar, at codon 293 of the DSG1 protein (p.Ile293Met).